The following is an entry in ClinVar:

NM_000327.4(ROM1):c.893G>A (p.Gly298Glu)

Gene: ROM1 (retinal outer segment membrane protein 1; plus strand). Cytogenetic location: 11q12.3.
Variant type: single nucleotide variant.
Coding change: c.893G>A on transcript NM_000327.4 (MANE Select); coding-DNA position 893, G replaced by A.
Protein change: p.Gly298Glu; replaces glycine 298 with glutamic acid.
Molecular consequence: missense variant.
Genome position (GRCh38, 1-based): chr11:62,614,676, G>A. VCF-style: chr11-62614676-G-A. GRCh37 (hg19) VCF-style: chr11-62382148-G-A.
Other names: short protein forms G298E.
Identifiers: ClinVar variation 1447074 (VCV001447074.8), dbSNP rs777006978, ClinGen allele CA6049866.

ClinVar aggregate classification (germline): Uncertain significance (1 of 4 stars; one submission).

Allele frequency attached by ClinVar (database versions not stated): gnomAD exomes 0.00002 and 0.00005; TOPMed 0.00002; ExAC 0.00003.

Submission:

Labcorp Genetics (formerly Invitae), Labcorp
Classification: Uncertain significance. Last evaluated: 2025-08-29. Review status: criteria provided, single submitter. Criteria: Invitae Variant Classification Sherloc (09022015). Collection method: clinical testing. Allele origin: germline.
Comment: This sequence change replaces glycine, which is neutral and non-polar, with glutamic acid, which is acidic and polar, at codon 298 of the ROM1 protein (p.Gly298Glu). This variant is present in population databases (rs777006978, gnomAD 0.003%). This variant has not been reported in the literature in individuals affected with ROM1-related conditions. ClinVar contains an entry for this variant (Variation ID: 1447074). Invitae Evidence Modeling of protein sequence and biophysical properties (such as structural, functional, and spatial information, amino acid conservation, physicochemical variation, residue mobility, and thermodynamic stability) indicates that this missense variant is not expected to disrupt ROM1 protein function with a negative predictive value of 80%. In summary, the available evidence is currently insufficient to determine the role of this variant in disease. Therefore, it has been classified as a Variant of Uncertain Significance.